The following is an entry in ClinVar:

NM_001135649.3(FOXI3):c.237GCC[7] (p.Pro85_Gly86insProPro)

Gene: FOXI3 (forkhead box I3; minus strand). Cytogenetic location: 2p11.2.
Variant type: Microsatellite.
Coding change: c.237GCC[7] on transcript NM_001135649.3 (MANE Select); seven copies in a row of the 3-base unit GCC starting at c.237; the reference has five copies in a row; two copies, 6 bases duplicated.
Protein change: p.Pro85_Gly86insProPro.
Molecular consequence: inframe insertion.
Genome position (GRCh38, 1-based): chr2:88,452,285-88,452,290, GGCGGC duplicated on the plus strand (GCCGCC on the coding strand, the reverse complement: FOXI3 is on the minus strand); duplicating any 6 consecutive bases within chr2:88,452,285-88,452,301 gives the same sequence; the position shown is the placement nearest the transcript's 3' end. VCF-style (leftmost placement, unchanged base first): chr2-88452284-G-GGGCGGC. GRCh37 (hg19) VCF-style: chr2-88751802-G-GGGCGGC.
Identifiers: ClinVar variation 2789504 (VCV002789504.3), dbSNP rs1256638071, ClinGen allele CA894287354.

ClinVar aggregate classification (germline): Uncertain significance (1 of 4 stars; one submission).

Submission:

Labcorp Genetics (formerly Invitae), Labcorp
Classification: Uncertain significance. Last evaluated: 2023-08-27. Review status: criteria provided, single submitter. Criteria: Invitae Variant Classification Sherloc (09022015). Collection method: clinical testing. Allele origin: germline.
Comment: This variant, c.246_251dup, results in the insertion of 2 amino acid(s) of the FOXI3 protein (p.Pro84_Pro85dup), but otherwise preserves the integrity of the reading frame. The frequency data for this variant in the population databases is considered unreliable, as metrics indicate insufficient coverage at this position in the gnomAD database. This variant has not been reported in the literature in individuals affected with FOXI3-related conditions. In summary, the available evidence is currently insufficient to determine the role of this variant in disease. Therefore, it has been classified as a Variant of Uncertain Significance.